The following is an entry in ClinVar:

NM_001845.6(COL4A1):c.781-4T>G

Gene: COL4A1 (collagen type IV alpha 1 chain; minus strand). Cytogenetic location: 13q34.
Variant type: single nucleotide variant.
Coding change: c.781-4T>G on transcript NM_001845.6 (MANE Select); 4 bases into the intron before coding-DNA position 781, T replaced by G.
Molecular consequence: intron variant.
Genome position (GRCh38, 1-based): chr13:110,206,895, A>C on the plus strand (T>G on the coding strand, the complement: COL4A1 is on the minus strand). VCF-style: chr13-110206895-A-C. GRCh37 (hg19) VCF-style: chr13-110859242-A-C.
Other names: c.781-4T>G (NM_001303110.2, NM_001845.5).
Identifiers: ClinVar variation 2056442 (VCV002056442.5), dbSNP rs776168238, ClinGen allele CA7048322.
Genomic context (GRCh38, chr13:110,206,895, plus strand): 5'-AAAAATGATAGGCAGAAACTGAGTACTGACCTGAAATCCAGGTTCACCTTTTTGGCCCTG[A>C]AAGAATTCGAGAGACAGATCAGCACTATCAAACAGCTGTATCATTTGTTATATGCTGCAT-3'

ClinVar aggregate classification (germline): Likely benign. Review status: criteria provided, single submitter (1 of 4 stars). 2 submissions from 2 submitters: Likely benign (1). 1 of the submissions does not count toward it. Last evaluated 2026-01-08.

Conditions:
COL4A1-related disorder. Also called: COL4A1-related condition; COL4A1-related disorders. Identifiers: MedGen CN376119, MONDO:0800461.

Allele frequency attached by ClinVar (database versions not stated): TOPMed 0.00001; ExAC 0.00002; gnomAD 0.00002; gnomAD exomes 0.00002.
gnomAD v4.1: 27 of 1,613,948 alleles (0.0017%); highest among the groups gnomAD compares: African/African-American, 0.0027%; no homozygotes.

Submissions (2):

Labcorp Genetics (formerly Invitae), Labcorp
Classification: Likely benign. Last evaluated: 2026-01-08. Review status: criteria provided, single submitter. Criteria: Invitae Variant Classification Sherloc (09022015). Collection method: clinical testing. Allele origin: germline.

PreventionGenetics, part of Exact Sciences
Classification: Likely benign for COL4A1-related condition. Last evaluated: 2024-07-24. Review status: no assertion criteria provided. Collection method: clinical testing. Allele origin: germline. Not counted in ClinVar's aggregate classification.
Comment: This variant is classified as likely benign based on ACMG/AMP sequence variant interpretation guidelines (Richards et al. 2015 PMID: 25741868, with internal and published modifications).